The following is an entry in ClinVar:

NM_000038.6(APC):c.912dup (p.Thr305fs)

Gene: APC (APC regulator of Wnt signaling pathway; plus strand). Cytogenetic location: 5q22.2.
Variant type: Duplication.
Coding change: c.912dup on transcript NM_000038.6 (MANE Select); coding-DNA position 912, one base duplicated (G; older notation c.912dupG).
Protein change: p.Thr305fs; shifts the reading frame from threonine 305.
Molecular consequence: frameshift variant. On other transcripts: non-coding transcript variant (2).
Genome position (GRCh38, 1-based): chr5:112,815,572, G duplicated. VCF-style (leftmost placement, unchanged base first): chr5-112815571-T-TG. GRCh37 (hg19) VCF-style: chr5-112151268-T-TG.
Other names: c.912dup, p.Thr305fs (NM_001407460.1, NM_001127510.3, NM_001354895.2 and 12 more transcripts); c.828dup, p.Thr277fs (NM_001407467.1, NM_001407469.1, NM_001354899.2 and 1 more transcripts); c.63dup, p.Thr22fs (NM_001407470.1, NM_001407471.1, NM_001407472.1 and 1 more transcripts); c.858dup, p.Thr287fs (NM_001127511.3); c.942dup, p.Thr315fs (NM_001354897.2, NM_001354902.2, NM_001407446.1); c.837dup, p.Thr280fs (NM_001354898.2, NM_001354904.2, NM_001407451.1); c.735dup, p.Thr246fs (NM_001354900.2, NM_001354901.2, NM_001354905.2 and 1 more transcripts); short protein forms T22fs, T246fs, T277fs, T280fs, T287fs, T305fs, T315fs.
Identifiers: ClinVar variation 2584132 (VCV002584132.2), dbSNP rs2532972037, ClinGen allele CA2582341292.
Genomic context (GRCh38, chr5:112,815,571, plus strand): 5'-TGGACCATGAAACAGCCAGTGTTTTGAGTTCTAGTAGCACACACTCTGCACCTCGAAGGC[T>TG]GACAAGTCATCTGGGAACCAAGGTAACAGAAGATTACAAACCCTGGTCACTAATGCCATG-3'

ClinVar aggregate classification (germline): Pathogenic (1 of 4 stars; one submission).

Conditions:
Familial adenomatous polyposis 1 (FAP1). Also called: FAMILIAL ADENOMATOUS POLYPOSIS 1, ATTENUATED; POLYPOSIS, ADENOMATOUS INTESTINAL. Identifiers: MedGen C2713442, MONDO:0021056, OMIM 175100. Disease mechanism: loss of function.

Submission:

Myriad Genetics, Inc.
Classification: Pathogenic for Familial adenomatous polyposis 1. Last evaluated: 2023-04-27. Review status: criteria provided, single submitter. Criteria: Myriad Autosomal Dominant, Autosomal Recessive and X-Linked Classification Criteria (2023). Collection method: clinical testing. Allele origin: unknown.
Comment: This variant is considered pathogenic. This variant creates a frameshift predicted to result in premature protein truncation.